The following is an entry in ClinVar:

ClinVar aggregate classification (germline): Likely pathogenic (1 of 4 stars; one submission).

Conditions:
Gorlin syndrome. Also called: Basal cell nevus syndrome; Nevoid Basal Cell Carcinoma Syndrome. Identifiers: Orphanet 377, MedGen C0004779, MONDO:0007187.

Submission:

Labcorp Genetics (formerly Invitae), Labcorp
Classification: Likely pathogenic for Gorlin syndrome. Last evaluated: 2019-12-07. Review status: criteria provided, single submitter. Criteria: Invitae Variant Classification Sherloc (09022015). Collection method: clinical testing. Allele origin: germline.
Comment: In summary, the currently available evidence indicates that the variant is pathogenic, but additional data are needed to prove that conclusively. Therefore, this variant has been classified as Likely Pathogenic. Loss-of-function variants in PTCH1 are known to be pathogenic (PMID: 16301862, 16419085). Algorithms developed to predict the effect of sequence changes on RNA splicing suggest that this variant may disrupt the consensus splice site, but this prediction has not been confirmed by published transcriptional studies. This variant has not been reported in the literature in individuals with PTCH1-related conditions. ClinVar contains an entry for this variant (Variation ID: 575011). This variant is not present in population databases (ExAC no frequency). This variant results in the deletion of part of exon 15 (c.2251-28_2276del) of the PTCH1 gene. It is expected to disrupt RNA splicing and likely results in an absent or disrupted protein product.

Literature cited by the submitters: PubMed 16301862; PubMed 16419085.

NM_000264.5(PTCH1):c.2251-28_2276del

Genes: PTCH1 (patched 1; minus strand), LOC100507346 (uncharacterized LOC100507346; plus strand). Cytogenetic location: 9q22.32.
Variant type: Deletion.
Coding change: c.2251-28_2276del on transcript NM_000264.5 (MANE Select); 28 bases into the intron before coding-DNA position 2251 through coding-DNA position 2276, 54 bases deleted.
Molecular consequence: splice acceptor variant.
Genome position (GRCh38, 1-based): chr9:95,467,400-95,467,453, 54 bases deleted. GRCh37 (hg19): chr9:98,229,687-98,229,740.
Other names: c.2251-28_2276delGTCTGACCTTGTGCCTCTTCTGTTCCAGGTAGTGGTGATCTTCCTTTTTCTGGG (NM_000264.3); c.2248-28_2273del (NM_001083603.3); c.2053-28_2078del (NM_001083602.3); c.2095-28_2120del (NM_001354918.2); c.1798-28_1823del (NM_001083605.3, NM_001083604.3, NM_001083606.3 and 1 more transcripts).
Identifiers: ClinVar variation 575011 (VCV000575011.10), dbSNP rs1564031259, ClinGen allele CA891843289.